The following is an entry in ClinVar:

ClinVar aggregate classification (germline): Pathogenic (1 of 4 stars; one submission).

Conditions:
Anauxetic dysplasia. Identifiers: Orphanet 93347, MedGen C1846796, MONDO:0011773.

Submission:

Labcorp Genetics (formerly Invitae), Labcorp
Classification: Pathogenic for Anauxetic dysplasia. Last evaluated: 2025-12-08. Review status: criteria provided, single submitter. Criteria: Invitae Variant Classification Sherloc (09022015). Collection method: clinical testing. Allele origin: germline.
Comment: This variant occurs in the RMRP gene, which encodes an RNA molecule that does not result in a protein product. This variant is present in population databases (no rsID available, gnomAD 0.007%). While this particular variant has not been reported in the literature, it is located in the promoter region between the TATA box and the transcription initiation site, and other insertions and duplications immediately upstream of the coding sequence have been reported in individuals affected with cartilage-hair hypoplasia-anauxetic dysplasia (CHH-AD) spectrum disorders (PMID: 16244706, 11207361, 12107819). While functional studies for this variant have not been reported, experimental analyses using patient derived cells, as well as in vitro transfection studies, have shown that promoter insertions result in silencing of RMRP transcription and reduced expression of the gene product (PMID: 11207361, 16254002). For these reasons, this variant has been classified as Pathogenic.

Literature cited by the submitters: PubMed 16244706; PubMed 11207361; PubMed 12107819; PubMed 16254002.

NC_000009.12:g.35658016_35658037dup

Gene: RMRP (RNA component of mitochondrial RNA processing endoribonuclease; minus strand). Cytogenetic location: 9p13.3.
Variant type: Duplication.
Genome position: GRCh38 VCF-style: chr9-35658013-C-CGAACCACGTCCTCAGCTTCACA. GRCh37 (hg19) VCF-style: chr9-35658010-C-CGAACCACGTCCTCAGCTTCACA.
Identifiers: ClinVar variation 970486 (VCV000970486.10), dbSNP rs772962847, ClinGen allele CA587570179.